The following is an entry in ClinVar:

ClinVar aggregate classification (germline): Uncertain significance. Review status: criteria provided, multiple submitters, no conflicts (2 of 4 stars). 2 submissions from 2 submitters: Uncertain significance (2). Last evaluated 2025-05-09.

Conditions:
Hereditary cancer-predisposing syndrome. Also called: Hereditary Cancer Syndrome; Hereditary neoplastic syndrome; Neoplastic Syndromes, Hereditary; Tumor predisposition. Identifiers: Orphanet 140162, MedGen C0027672, MeSH D009386, MONDO:0015356.
Retinoblastoma (RB1). Also called: RETINOBLASTOMA, SOMATIC. Identifiers: Orphanet 790, MedGen C0035335, MeSH D012175, MONDO:0008380, OMIM 180200, HP:0009919. Disease mechanism: loss of function. Inheritance: Both sporadic and heritable forms are tested..

Submissions (2):

Ambry Genetics
Classification: Uncertain significance for Hereditary cancer-predisposing syndrome. Last evaluated: 2025-05-09. Review status: criteria provided, single submitter. Criteria: Ambry Variant Classification Scheme 2023. Collection method: clinical testing. Allele origin: germline.
Comment: The c.1719_1720delTAinsAG variant (also known as p.K574E), located in coding exon 18 of the RB1 gene, results from an in-frame deletion of TA and insertion of AG at nucleotide positions 1719 to 1720. This results in the substitution of the lysine residue for a glutamic acid residue at codon 574, an amino acid with similar properties. In silico splice site analysis predicts that this alteration will result in the creation or strengthening of a novel splice acceptor site; however, direct evidence is insufficient at this time (Ambry internal data). This amino acid position is highly conserved in available vertebrate species. In addition, this variant is predicted to be neutral by in silico analysis (Choi Y et al. PLoS ONE. 2012; 7(10):e46688). Based on the available evidence, the clinical significance of this variant remains unclear.

Labcorp Genetics (formerly Invitae), Labcorp
Classification: Uncertain significance for Retinoblastoma. Last evaluated: 2024-10-27. Review status: criteria provided, single submitter. Criteria: Invitae Variant Classification Sherloc (09022015). Collection method: clinical testing. Allele origin: germline.
Comment: This sequence change replaces lysine, which is basic and polar, with glutamic acid, which is acidic and polar, at codon 574 of the RB1 protein (p.Lys574Glu). Information on the frequency of this variant in the gnomAD database is not available, as this variant may be reported differently in the database. This variant has not been reported in the literature in individuals affected with RB1-related conditions. Experimental studies and prediction algorithms are not available or were not evaluated, and the functional significance of this variant is currently unknown. In summary, the available evidence is currently insufficient to determine the role of this variant in disease. Therefore, it has been classified as a Variant of Uncertain Significance.

NM_000321.3(RB1):c.1719_1720delinsAG (p.Lys574Glu)

Gene: RB1 (RB transcriptional corepressor 1; plus strand). Cytogenetic location: 13q14.2.
Variant type: Indel.
Coding change: c.1719_1720delinsAG on transcript NM_000321.3 (MANE Select); coding-DNA positions 1719 to 1720, TA replaced by AG.
Protein change: p.Lys574Glu; replaces lysine 574 with glutamic acid.
Molecular consequence: missense variant.
Genome position (GRCh38, 1-based): chr13:48,453,016-48,453,017, TA replaced by AG. VCF-style: chr13-48453016-TA-AG. GRCh37 (hg19) VCF-style: chr13-49027152-TA-AG.
Other names: c.1719_1720delinsAG, p.Lys574Glu (NM_001407165.1); short protein forms K574E.
Identifiers: ClinVar variation 3723822 (VCV003723822.3).